The following is an entry in ClinVar:

ClinVar aggregate classification (germline): Uncertain significance. Review status: criteria provided, multiple submitters, no conflicts (2 of 4 stars). 3 submissions from 3 submitters: Uncertain significance (2). 1 of the submissions does not count toward it. Last evaluated 2026-04-22.

Conditions:
Wilson disease (WND). Also called: Wilson's disease. Identifiers: Orphanet 905, MedGen C0019202, MONDO:0010200, OMIM 277900. Disease mechanism: loss of function.
Inborn genetic diseases. Identifiers: MedGen C0950123, MeSH D030342.

Submissions (3):

Myriad Genetics, Inc.
Classification: Uncertain significance for Wilson disease. Last evaluated: 2026-04-22. Review status: criteria provided, single submitter. Criteria: Myriad Autosomal Dominant, Autosomal Recessive and X-Linked Classification Criteria (2023). Collection method: clinical testing. Allele origin: unknown.
Comment: NM_000053.3(ATP7B):c.2092A>C(I698L) is a missense variant classified as a variant of uncertain significance in the context of Wilson disease. I698L has not been observed in cases with relevant disease. Relevant functional assessments of this variant are not available in the literature. I698L has not been observed in referenced population frequency databases. In summary, there is insufficient evidence to classify NM_000053.3(ATP7B):c.2092A>C(I698L) as pathogenic or benign. Please note: this variant was assessed in the context of healthy population screening.

Ambry Genetics
Classification: Uncertain significance for Inborn genetic diseases. Last evaluated: 2022-12-21. Review status: criteria provided, single submitter. Criteria: Ambry Variant Classification Scheme 2023. Collection method: clinical testing. Allele origin: germline.

Natera, Inc.
Classification: Uncertain significance for Wilson disease. Last evaluated: 2025-01-17. Review status: no assertion criteria provided. Collection method: clinical testing. Allele origin: germline. Not counted in ClinVar's aggregate classification.

NM_000053.4(ATP7B):c.2092A>C (p.Ile698Leu)

Gene: ATP7B (ATPase copper transporting beta; minus strand). Cytogenetic location: 13q14.3.
Variant type: single nucleotide variant.
Coding change: c.2092A>C on transcript NM_000053.4 (MANE Select); coding-DNA position 2092, A replaced by C.
Protein change: p.Ile698Leu; replaces isoleucine 698 with leucine.
Molecular consequence: missense variant. On other transcripts: intron variant (2).
Genome position (GRCh38, 1-based): chr13:51,960,177, T>G on the plus strand (A>C on the coding strand, the complement: ATP7B is on the minus strand). VCF-style: chr13-51960177-T-G. GRCh37 (hg19) VCF-style: chr13-52534313-T-G.
Other names: c.1759A>C, p.Ile587Leu (NM_001243182.2); c.2092A>C, p.Ile698Leu (NM_001330578.2, NM_001406511.1, NM_001406512.1 and 16 more transcripts); c.2059A>C, p.Ile687Leu (NM_001406514.1, NM_001406524.1); c.1996A>C, p.Ile666Leu (NM_001406517.1, NM_001406518.1, NM_001406530.1 and 1 more transcripts); c.1663A>C, p.Ile555Leu (NM_001406539.1); c.1870-2570A>C (NM_001005918.3); c.1870-1633A>C (NM_001330579.2); short protein forms I666L, I555L, I587L, I687L, I698L.
Identifiers: ClinVar variation 2338336 (VCV002338336.4), dbSNP rs1958635417, ClinGen allele CA388024422.
Genomic context (GRCh38, chr13:51,960,177, plus strand): 5'-GGGAGAGGTCTGCCCACTTTCTCATATATACCTGGACAAAGGTACACAAGATAAAGAAGA[T>G]GAGATTTAGAATGGACAGTCCTGGAATGATGTTGTGGTCCAGGACCATGGACTGGTGGGG-3'
Protein context (NP_000044.2, residues 688-708): IIPGLSILNL[Ile698Leu]FFILCTFVQL